The following is an entry in ClinVar:

ClinVar aggregate classification (germline): Uncertain significance (1 of 4 stars; one submission).

Submission:

Labcorp Genetics (formerly Invitae), Labcorp
Classification: Uncertain significance. Last evaluated: 2019-12-28. Review status: criteria provided, single submitter. Criteria: Invitae Variant Classification Sherloc (09022015). Collection method: clinical testing. Allele origin: germline.
Comment: In summary, the available evidence is currently insufficient to determine the role of this variant in disease. Therefore, it has been classified as a Variant of Uncertain Significance. Algorithms developed to predict the effect of missense changes on protein structure and function are either unavailable or do not agree on the potential impact of this missense change (SIFT: "Deleterious"; PolyPhen-2: "Possibly Damaging"; Align-GVGD: "Class C0"). This variant has not been reported in the literature in individuals with ADGRV1-related conditions. This variant is not present in population databases (ExAC no frequency). This sequence change replaces proline with leucine at codon 5189 of the ADGRV1 protein (p.Pro5189Leu). The proline residue is moderately conserved and there is a moderate physicochemical difference between proline and leucine.

NM_032119.4(ADGRV1):c.15566C>T (p.Pro5189Leu)

Gene: ADGRV1 (adhesion G protein-coupled receptor V1; plus strand). Cytogenetic location: 5q14.3.
Variant type: single nucleotide variant.
Coding change: c.15566C>T on transcript NM_032119.4 (MANE Select); coding-DNA position 15566, C replaced by T.
Protein change: p.Pro5189Leu; replaces proline 5189 with leucine.
Molecular consequence: missense variant. On other transcripts: non-coding transcript variant (1).
Genome position (GRCh38, 1-based): chr5:90,810,826, C>T. VCF-style: chr5-90810826-C-T. GRCh37 (hg19) VCF-style: chr5-90106643-C-T.
Other names: short protein forms P5189L.
Identifiers: ClinVar variation 852759 (VCV000852759.10), dbSNP rs899059201, ClinGen allele CA122821841.
Genomic context (GRCh38, chr5:90,810,826, plus strand): 5'-TTCTGCAGCCAACCAACGTGGTTGCCATTGTTACTGAGGCAACTGGTGTATCTGCCATCC[C>T]TGAGAAACTTGTCACCCTTCATGGCACACCTGCTGTGTCTGAAAAGCCTGATGTGGCCAC-3'
Protein context (NP_115495.3, residues 5179-5199): VTEATGVSAI[Pro5189Leu]EKLVTLHGTP